The following is an entry in ClinVar:

NM_080680.3(COL11A2):c.4458T>A (p.Gly1486=)

Gene: COL11A2 (collagen type XI alpha 2 chain; minus strand). Cytogenetic location: 6p21.32.
Variant type: single nucleotide variant.
Coding change: c.4458T>A on transcript NM_080680.3 (MANE Select); coding-DNA position 4458, T replaced by A.
Protein change: p.Gly1486=; no amino-acid change (glycine 1486 retained).
Molecular consequence: synonymous variant.
Genome position (GRCh38, 1-based): chr6:33,165,955, A>T on the plus strand (T>A on the coding strand, the complement: COL11A2 is on the minus strand). VCF-style: chr6-33165955-A-T. GRCh37 (hg19) VCF-style: chr6-33133732-A-T.
Other names: c.4137T>A, p.Gly1379= (NM_080679.3); c.4200T>A, p.Gly1400= (NM_080681.3).
Identifiers: ClinVar variation 178322 (VCV000178322.56), dbSNP rs143186319, ClinGen allele CA182107.

ClinVar aggregate classification (germline): Benign/Likely benign. Review status: criteria provided, multiple submitters, no conflicts (2 of 4 stars). 12 submissions from 11 submitters: Benign (8); Likely benign (2). 2 of the submissions do not count toward it. Last evaluated 2026-08-01.

Conditions:
Connective tissue disorder. Also called: Connective tissue disease. Identifiers: MedGen C0009782, MONDO:0003900.
Fibrochondrogenesis 2 (FBCG2). Identifiers: Orphanet 2021, MedGen C3281128, MONDO:0013795, OMIM 614524.
Otospondylomegaepiphyseal dysplasia, autosomal recessive (OSMEDB). Also called: CHONDRODYSTROPHY WITH SENSORINEURAL DEAFNESS; Insley-Astley syndrome. Identifiers: Orphanet 1427, MedGen CN034493, MONDO:0044206, OMIM 215150.

Allele frequency attached by ClinVar (database versions not stated): gnomAD 0.00225 and 0.00204; gnomAD exomes 0.00283; ExAC 0.00304; ESP Exome Variant Server 0.00162; TOPMed 0.00222; 1000 Genomes Project 30x 0.00437; 1000 Genomes Project 0.00439.
gnomAD v4.1: 4,196 of 1,613,790 alleles (0.26%); highest among the groups gnomAD compares: East Asian, 1.3%; 14 homozygotes.

Submissions (12):

CeGaT Center for Human Genetics Tuebingen
Classification: Benign. Last evaluated: 2026-08-01. Review status: criteria provided, single submitter. Criteria: CeGaT Center For Human Genetics Tuebingen Variant Classification Criteria Version 2. Collection method: clinical testing. Allele origin: germline. Affected: yes. Observed: 11 variant alleles.
Comment: COL11A2: BP4, BP7, BS1, BS2

Labcorp Genetics (formerly Invitae), Labcorp
Classification: Benign. Last evaluated: 2026-02-01. Review status: criteria provided, single submitter. Criteria: Invitae Variant Classification Sherloc (09022015). Collection method: clinical testing. Allele origin: germline.

Blueprint Genetics
Classification: Likely benign. Last evaluated: 2024-11-22. Review status: criteria provided, single submitter. Criteria: ACMG Guidelines, 2015. Collection method: clinical testing. Allele origin: germline.

ARUP Laboratories, Molecular Genetics and Genomics, ARUP Laboratories
Classification: Benign. Last evaluated: 2023-09-06. Review status: criteria provided, single submitter. Criteria: ARUP Molecular Germline Variant Investigation Process 2024. Collection method: clinical testing. Allele origin: germline.

Genome Diagnostics Laboratory, The Hospital for Sick Children
Classification: Benign for Connective tissue disorder. Last evaluated: 2021-12-22. Review status: criteria provided, single submitter. Criteria: ACMG Guidelines, 2015. Collection method: clinical testing. Allele origin: germline.

Illumina Laboratory Services, Illumina
Classification: Benign for Otospondylomegaepiphyseal dysplasia, autosomal recessive. Last evaluated: 2018-01-13. Review status: criteria provided, single submitter. Criteria: ICSL Variant Classification Criteria 13 December 2019. Collection method: clinical testing. Allele origin: germline.
Comment: This variant was observed in the ICSL laboratory as part of a predisposition screen in an ostensibly healthy population. It had not been previously curated by ICSL or reported in the Human Gene Mutation Database (HGMD: prior to June 1st, 2018), and was therefore a candidate for classification through an automated scoring system. Utilizing variant allele frequency, disease prevalence and penetrance estimates, and inheritance mode, an automated score was calculated to assess if this variant is too frequent to cause the disease. Based on the score and internal cut-off values, a variant classified as benign is not then subjected to further curation. The score for this variant resulted in a classification of benign for this disease.

Illumina Laboratory Services, Illumina
Classification: Benign for Fibrochondrogenesis 2. Last evaluated: 2018-01-13. Review status: criteria provided, single submitter. Criteria: ICSL Variant Classification Criteria 13 December 2019. Collection method: clinical testing. Allele origin: germline.
Comment: the same text as in the submission from Illumina Laboratory Services, Illumina above.

GeneDx
Classification: Benign. Last evaluated: 2017-01-03. Review status: criteria provided, single submitter. Criteria: GeneDx Variant Classification (06012015). Collection method: clinical testing. Allele origin: germline. Affected: yes.
Comment: This variant is considered likely benign or benign based on one or more of the following criteria: it is a conservative change, it occurs at a poorly conserved position in the protein, it is predicted to be benign by multiple in silico algorithms, and/or has population frequency not consistent with disease.

Laboratory for Molecular Medicine, Mass General Brigham Personalized Medicine
Classification: Benign. Last evaluated: 2014-12-19. Review status: criteria provided, single submitter. Criteria: LMM Criteria. Collection method: clinical testing. Allele origin: germline. Observed: 11 variant alleles.
Comment: p.Gly1486Gly in exon 62 of COL11A2: This variant is not expected to have clinica l significance because it does not alter an amino acid residue, is not located w ithin the splice consensus sequence, and has been identified in 1.2% (103/8668) of East Asian chromosomes by the Exome Aggregation Consortium (ExAC .; dbSNP rs143186319).

PreventionGenetics, part of Exact Sciences
Classification: Likely benign. Review status: criteria provided, single submitter. Criteria: ACMG Guidelines, 2015. Collection method: clinical testing. Allele origin: germline.

Clinical Genetics DNA and cytogenetics Diagnostics Lab, Erasmus MC, Erasmus Medical Center
Classification: Benign. Review status: no assertion criteria provided. Collection method: clinical testing. Allele origin: germline. Affected: yes. Study: VKGL Data-share Consensus. Not counted in ClinVar's aggregate classification.

Genome Diagnostics Laboratory, Amsterdam University Medical Center
Classification: Benign. Review status: no assertion criteria provided. Collection method: clinical testing. Allele origin: germline. Affected: yes. Study: VKGL Data-share Consensus. Not counted in ClinVar's aggregate classification.